The following is an entry in ClinVar:

ClinVar aggregate classification (germline): Uncertain significance (1 of 4 stars; one submission).

Conditions:
Autosomal dominant nonsyndromic hearing loss 1. Also called: KONIGSMARK SYNDROME; DEAFNESS, AUTOSOMAL DOMINANT 1, WITH OR WITHOUT THROMBOCYTOPENIA. Identifiers: Orphanet 90635, MedGen C1852282, MONDO:0007424, OMIM 124900.
Progressive microcephaly-seizures-cortical blindness-developmental delay syndrome. Also called: Seizures, cortical blindness, and microcephaly syndrome. Identifiers: Orphanet 477814, MedGen C5567650, MONDO:0014714, OMIM 616632.

Allele frequency attached by ClinVar (database versions not stated): gnomAD exomes 0.00001 and 0.00002; ExAC 0.00018.
gnomAD v4.1: 3 of 1,532,486 alleles (0.0002%); highest among the groups gnomAD compares: East Asian, 0.0072%; no homozygotes.

Submission:

Labcorp Genetics (formerly Invitae), Labcorp
Classification: Uncertain significance for Progressive microcephaly-seizures-cortical blindness-developmental delay syndrome; Autosomal dominant nonsyndromic hearing loss 1. Last evaluated: 2024-01-12. Review status: criteria provided, single submitter. Criteria: Invitae Variant Classification Sherloc (09022015). Collection method: clinical testing. Allele origin: germline.
Comment: This sequence change replaces glycine, which is neutral and non-polar, with cysteine, which is neutral and slightly polar, at codon 662 of the DIAPH1 protein (p.Gly662Cys). The frequency data for this variant in the population databases is considered unreliable, as metrics indicate poor data quality at this position in the gnomAD database. This variant has not been reported in the literature in individuals affected with DIAPH1-related conditions. ClinVar contains an entry for this variant (Variation ID: 1521794). Algorithms developed to predict the effect of missense changes on protein structure and function output the following: SIFT: "Not Available"; PolyPhen-2: "Not Available"; Align-GVGD: "Not Available". The cysteine amino acid residue is found in multiple mammalian species, which suggests that this missense change does not adversely affect protein function. In summary, the available evidence is currently insufficient to determine the role of this variant in disease. Therefore, it has been classified as a Variant of Uncertain Significance.

NM_005219.5(DIAPH1):c.1984G>T (p.Gly662Cys)

Gene: DIAPH1 (diaphanous related formin 1; minus strand). Cytogenetic location: 5q31.3.
Variant type: single nucleotide variant.
Coding change: c.1984G>T on transcript NM_005219.5 (MANE Select); coding-DNA position 1984, G replaced by T.
Protein change: p.Gly662Cys; replaces glycine 662 with cysteine.
Molecular consequence: missense variant.
Genome position (GRCh38, 1-based): chr5:141,573,866, C>A on the plus strand (G>T on the coding strand, the complement: DIAPH1 is on the minus strand). VCF-style: chr5-141573866-C-A. GRCh37 (hg19) VCF-style: chr5-140953433-C-A.
Other names: c.1957G>T, p.Gly653Cys (NM_001079812.3); c.1984G>T, p.Gly662Cys (NM_001314007.2); short protein forms G653C, G662C.
Identifiers: ClinVar variation 1521794 (VCV001521794.8), dbSNP rs753471630, ClinGen allele CA3479182.